The following is an entry in ClinVar:

ClinVar aggregate classification (germline): Uncertain significance. Review status: criteria provided, single submitter (1 of 4 stars). 2 submissions from 2 submitters: Uncertain significance (1). 1 of the submissions does not count toward it. Last evaluated 2022-10-25.

Conditions:
Decreased circulating carnitine concentration. Also called: Decreased plasma carnitine. Identifiers: MedGen C5848230, HP:0003234.
Renal carnitine transport defect (CDSP). Also called: CARNITINE DEFICIENCY, SYSTEMIC, DUE TO DEFECT IN RENAL REABSORPTION OF CARNITINE; CARNITINE TRANSPORTER, PLASMA-MEMBRANE, DEFICIENCY OF; CARNITINE UPTAKE DEFECT; Carnitine transporter deficiency; Carnitine Deficiency, Systemic; Primary carnitine deficiency. Identifiers: Orphanet 158, MedGen C0342788, MONDO:0008919, OMIM 212140.

Allele frequency attached by ClinVar (database versions not stated): gnomAD exomes below 0.00001 and 0.00001; TOPMed 0.00001; ExAC 0.00002; gnomAD 0.00003.

Submissions (3):

Labcorp Genetics (formerly Invitae), Labcorp
Classification: Uncertain significance for Renal carnitine transport defect. Last evaluated: 2022-10-25. Review status: criteria provided, single submitter. Criteria: Invitae Variant Classification Sherloc (09022015). Collection method: clinical testing. Allele origin: germline.
Comment: This sequence change replaces leucine, which is neutral and non-polar, with valine, which is neutral and non-polar, at codon 419 of the SLC22A5 protein (p.Leu419Val). This variant is present in population databases (rs780591287, gnomAD 0.003%). This variant has not been reported in the literature in individuals affected with SLC22A5-related conditions. ClinVar contains an entry for this variant (Variation ID: 574461). Algorithms developed to predict the effect of missense changes on protein structure and function (SIFT, PolyPhen-2, Align-GVGD) all suggest that this variant is likely to be tolerated. In summary, the available evidence is currently insufficient to determine the role of this variant in disease. Therefore, it has been classified as a Variant of Uncertain Significance.

Natera, Inc.
Classification: Uncertain significance for Carnitine deficiency. Last evaluated: 2020-08-18. Review status: no assertion criteria provided. Collection method: clinical testing. Allele origin: germline. Not counted in ClinVar's aggregate classification.

Dr. Peter K. Rogan Lab, Western University
No classification provided (evidence only). Condition: Clear cell carcinoma of kidney. Review status: no classification provided. Collection method: in vitro. Allele origin: not applicable. Functional consequence: retained intron. Not counted in ClinVar's aggregate classification.

NM_003060.4(SLC22A5):c.1255C>G (p.Leu419Val)

Gene: SLC22A5 (solute carrier family 22 member 5; plus strand). Cytogenetic location: 5q31.1.
Variant type: single nucleotide variant.
Coding change: c.1255C>G on transcript NM_003060.4 (MANE Select); coding-DNA position 1255, C replaced by G.
Protein change: p.Leu419Val; replaces leucine 419 with valine.
Molecular consequence: missense variant.
Genome position (GRCh38, 1-based): chr5:132,390,892, C>G. VCF-style: chr5-132390892-C-G. GRCh37 (hg19) VCF-style: chr5-131726584-C-G.
Other names: c.1327C>G, p.Leu443Val (NM_001308122.2); short protein forms L419V, L443V.
Identifiers: ClinVar variation 574461 (VCV000574461.13), dbSNP rs780591287, ClinGen allele CA3404107.
Genomic context (GRCh38, chr5:132,390,892, plus strand): 5'-CGGCGCTATTCCATGGCCACTGCCCTCTTCCTGGGTGGCAGTGTCCTTCTCTTCATGCAG[C>G]TGGTACCCCCAGGTAGGGACCATGTGCATCTATGGTTTGGGGTCTTCACTGAGTCTCTTA-3'
Protein context (NP_003051.1, residues 409-429): LGGSVLLFMQ[Leu419Val]VPPDLYYLAT